The following is an entry in ClinVar:

NM_001171.6(ABCC6):c.1771C>G (p.Leu591Val)

Gene: ABCC6 (ATP binding cassette subfamily C member 6; minus strand). Cytogenetic location: 16p13.11.
Variant type: single nucleotide variant.
Coding change: c.1771C>G on transcript NM_001171.6 (MANE Select); coding-DNA position 1771, C replaced by G.
Protein change: p.Leu591Val; replaces leucine 591 with valine.
Molecular consequence: missense variant. On other transcripts: non-coding transcript variant (1).
Genome position (GRCh38, 1-based): chr16:16,188,839, G>C on the plus strand (C>G on the coding strand, the complement: ABCC6 is on the minus strand). VCF-style: chr16-16188839-G-C. GRCh37 (hg19) VCF-style: chr16-16282696-G-C.
Other names: c.1429C>G, p.Leu477Val (NM_001351800.1); short protein forms L591V, L477V.
Identifiers: ClinVar variation 1923447 (VCV001923447.3), dbSNP rs201193903, ClinGen allele CA7926183.

ClinVar aggregate classification (germline): Uncertain significance (1 of 4 stars; one submission).

Allele frequency attached by ClinVar (database versions not stated): ExAC 0.00001; gnomAD exomes 0.00001.
gnomAD v4.1: 12 of 1,613,848 alleles (0.00074%); highest among the groups gnomAD compares: East Asian, 0.022%; no homozygotes.

Submission:

Labcorp Genetics (formerly Invitae), Labcorp
Classification: Uncertain significance. Last evaluated: 2022-08-21. Review status: criteria provided, single submitter. Criteria: Invitae Variant Classification Sherloc (09022015). Collection method: clinical testing. Allele origin: germline.
Comment: In summary, the available evidence is currently insufficient to determine the role of this variant in disease. Therefore, it has been classified as a Variant of Uncertain Significance. Advanced modeling of protein sequence and biophysical properties (such as structural, functional, and spatial information, amino acid conservation, physicochemical variation, residue mobility, and thermodynamic stability) performed at Invitae indicates that this missense variant is not expected to disrupt ABCC6 protein function. This variant has not been reported in the literature in individuals affected with ABCC6-related conditions. This variant is present in population databases (rs201193903, gnomAD 0.01%). This sequence change replaces leucine, which is neutral and non-polar, with valine, which is neutral and non-polar, at codon 591 of the ABCC6 protein (p.Leu591Val).